The following is an entry in ClinVar:

ClinVar aggregate classification (germline): Likely pathogenic (1 of 4 stars; one submission).

Conditions:
Dilated cardiomyopathy 1G (CMD1G). Identifiers: Orphanet 154, MedGen C1858763, MONDO:0011400, OMIM 604145.
Autosomal recessive limb-girdle muscular dystrophy type 2J (LGMDR10). Also called: Limb-girdle muscular dystrophy, type 2J; MUSCULAR DYSTROPHY, LIMB-GIRDLE, AUTOSOMAL RECESSIVE 10. Identifiers: Orphanet 140922, MedGen C1837342, MONDO:0012127, OMIM 608807.

Submission:

Labcorp Genetics (formerly Invitae), Labcorp
Classification: Likely pathogenic for Dilated cardiomyopathy 1G; Autosomal recessive limb-girdle muscular dystrophy type 2J. Last evaluated: 2023-08-15. Review status: criteria provided, single submitter. Criteria: Invitae Variant Classification Sherloc (09022015). Collection method: clinical testing. Allele origin: germline.
Comment: This variant is not present in population databases (gnomAD no frequency). This variant has not been reported in the literature in individuals affected with TTN-related conditions. In summary, the currently available evidence indicates that the variant is pathogenic, but additional data are needed to prove that conclusively. Therefore, this variant has been classified as Likely Pathogenic. This variant is located in the A band of TTN (PMID: 25589632). Truncating variants in this region are significantly overrepresented in patients affected with dilated cardiomyopathy (PMID: 25589632). Truncating variants in this region have also been reported in individuals affected with autosomal recessive centronuclear myopathy (PMID: 23975875). This sequence change creates a premature translational stop signal (p.Ile15896Metfs*16) in the TTN gene. While this is not anticipated to result in nonsense mediated decay, it is expected to create a truncated TTN protein.

Literature cited by the submitters: PubMed 25589632; PubMed 23975875.

NM_001267550.2(TTN):c.47688del (p.Ile15896fs)

Genes: TTN (titin; minus strand), TTN-AS1 (TTN antisense RNA 1; plus strand). Cytogenetic location: 2q31.2.
Variant type: Deletion.
Coding change: c.47688del on transcript NM_001267550.2 (MANE Select); coding-DNA position 47688, one base deleted (T; older notation c.47688delT).
Protein change: p.Ile15896fs; shifts the reading frame from isoleucine 15896.
Molecular consequence: frameshift variant.
Genome position (GRCh38, 1-based): chr2:178,617,397, A deleted on the plus strand (T on the coding strand, the reverse complement: TTN is on the minus strand); the first of 2 consecutive A bases (chr2:178,617,397-178,617,398); deleting either gives the same sequence. VCF-style (leftmost placement, unchanged base first): chr2-178617396-CA-C. GRCh37 (hg19) VCF-style: chr2-179482123-CA-C.
Other names: c.42765del, p.Ile14255fs (NM_001256850.1); c.20493del, p.Ile6831fs (NM_003319.4); c.39984del, p.Ile13328fs (NM_133378.4); c.20868del, p.Ile6956fs (NM_133432.3); c.21069del, p.Ile7023fs (NM_133437.4); short protein forms I6956fs, I14255fs, I15896fs, I7023fs, I13328fs, I6831fs.
Identifiers: ClinVar variation 2950541 (VCV002950541.3), dbSNP rs2470849730, ClinGen allele CA2740096166.